The following is an entry in ClinVar:

NM_003579.4(RAD54L):c.2067G>C (p.Gln689His)

Genes: LRRC41 (leucine rich repeat containing 41; minus strand), RAD54L (RAD54 like; plus strand). Cytogenetic location: 1p34.1.
Variant type: single nucleotide variant.
Coding change: c.2067G>C on transcript NM_003579.4 (MANE Select); coding-DNA position 2067, G replaced by C.
Protein change: p.Gln689His; replaces glutamine 689 with histidine.
Molecular consequence: missense variant. On other transcripts: 3 prime UTR variant (1).
Genome position (GRCh38, 1-based): chr1:46,278,105, G>C. VCF-style: chr1-46278105-G-C. GRCh37 (hg19) VCF-style: chr1-46743777-G-C.
Other names: c.*760C>G (NM_006369.5); c.2067G>C, p.Gln689His (NM_001142548.2); c.1527G>C, p.Gln509His (NM_001370766.1); short protein forms Q509H, Q689H.
Identifiers: ClinVar variation 3223426 (VCV003223426.1), dbSNP rs1356611440, ClinGen allele CA340190944.
Genomic context (GRCh38, chr1:46,278,105, plus strand): 5'-GACTTCAGCTGTGCCTTCTGTCCCTAGGTTGCACTGCCGACGTTGTGTCAACAGCCGTCA[G>C]ATCCGGCCACCCCCTGATGGTTCTGACTGCACTTCAGACCTGGCAGGGTGGAACCACTGC-3'
Protein context (NP_003570.2, residues 679-699): LHCRRCVNSR[Gln689His]IRPPPDGSDC

ClinVar aggregate classification (germline): Uncertain significance (1 of 4 stars; one submission).

Allele frequency attached by ClinVar (database versions not stated): TOPMed below 0.00001; gnomAD 0.00001.
gnomAD v4.1: 1 of 1,613,934 alleles (0.000062%); highest among the groups gnomAD compares: African/African-American, 0.0013%; no homozygotes.

Submission:

Ambry Genetics
Classification: Uncertain significance. Last evaluated: 2024-02-23. Review status: criteria provided, single submitter. Criteria: Ambry Variant Classification Scheme 2023. Collection method: clinical testing. Allele origin: germline.
Comment: The p.Q689H variant (also known as c.2067G>C), located in coding exon 18 of the RAD54L gene, results from a G to C substitution at nucleotide position 2067. The glutamine at codon 689 is replaced by histidine, an amino acid with highly similar properties. This amino acid position is conserved. In addition, this alteration is predicted to be tolerated by in silico analysis. Based on the available evidence, the clinical significance of this alteration remains unclear.